The following is an entry in ClinVar:

ClinVar aggregate classification (germline): Uncertain significance (1 of 4 stars; one submission).

Conditions:
Supravalvar aortic stenosis (SVAS). Also called: Supravalvar aortic stenosis, Eisenberg type. Identifiers: Orphanet 3193, MedGen C0003499, MONDO:0008504, OMIM 185500, HP:0004381.

Submission:

Labcorp Genetics (formerly Invitae), Labcorp
Classification: Uncertain significance for Supravalvar aortic stenosis. Last evaluated: 2022-11-19. Review status: criteria provided, single submitter. Criteria: Invitae Variant Classification Sherloc (09022015). Collection method: clinical testing. Allele origin: germline.
Comment: In summary, the available evidence is currently insufficient to determine the role of this variant in disease. Therefore, it has been classified as a Variant of Uncertain Significance. Experimental studies and prediction algorithms are not available or were not evaluated, and the functional significance of this variant is currently unknown. ClinVar contains an entry for this variant (Variation ID: 1515338). This variant has not been reported in the literature in individuals affected with ELN-related conditions. This variant is not present in population databases (gnomAD no frequency). This variant, c.446_457del, results in the deletion of 4 amino acid(s) of the ELN protein (p.Val149_Gly152del), but otherwise preserves the integrity of the reading frame.

NM_000501.4(ELN):c.446_457del (p.Val149_Gly152del)

Gene: ELN (elastin; plus strand). Cytogenetic location: 7q11.23.
Variant type: Deletion.
Coding change: c.446_457del on transcript NM_000501.4 (MANE Select); coding-DNA positions 446 to 457, 12 bases deleted (TATACCCAGGTG).
Protein change: p.Val149_Gly152del.
Molecular consequence: inframe deletion.
Genome position (GRCh38, 1-based): chr7:74,043,897-74,043,908, TATACCCAGGTG deleted; deleting any 12 consecutive bases within chr7:74,043,890-74,043,908 gives the same sequence; the c. name uses the placement nearest the transcript's 3' end. VCF-style (leftmost placement, unchanged base first): chr7-74043889-GCCAGGTGTATAC-G. GRCh37 (hg19) VCF-style: chr7-73458219-GCCAGGTGTATAC-G.
Other names: c.416_427del, p.Val139_Gly142del (NM_001081752.3, NM_001278917.2, NM_001278918.2); c.461_472del, p.Val154_Gly157del (NM_001081753.3, NM_001081754.3); c.446_457del, p.Val149_Gly152del (NM_001081755.3, NM_001278912.2, NM_001278915.2 and 2 more transcripts); c.410_421del, p.Val137_Gly140del (NM_001278913.2); c.431_442del, p.Val144_Gly147del (NM_001278914.2).
Identifiers: ClinVar variation 1515338 (VCV001515338.6), dbSNP rs1227487686, ClinGen allele CA842064952.